The following is an entry in ClinVar:

NM_152415.3(VPS37A):c.512C>G (p.Thr171Ser)

Gene: VPS37A (VPS37A subunit of ESCRT-I; plus strand). Cytogenetic location: 8p22.
Variant type: single nucleotide variant.
Coding change: c.512C>G on transcript NM_152415.3 (MANE Select); coding-DNA position 512, C replaced by G.
Protein change: p.Thr171Ser; replaces threonine 171 with serine.
Molecular consequence: missense variant.
Genome position (GRCh38, 1-based): chr8:17,274,828, C>G. VCF-style: chr8-17274828-C-G. GRCh37 (hg19) VCF-style: chr8-17132337-C-G.
Other names: c.437C>G, p.Thr146Ser (NM_001145152.2); c.512C>G, p.Thr171Ser (NM_001363167.1, NM_001363173.2); c.242C>G, p.Thr81Ser (NM_001363168.1, NM_001363169.1, NM_001363170.1 and 2 more transcripts); short protein forms T171S, T81S, T146S.
Identifiers: ClinVar variation 574574 (VCV000574574.5), dbSNP rs200401367, ClinGen allele CA4643344.

ClinVar aggregate classification (germline): Uncertain significance (1 of 4 stars; one submission).

Conditions:
Hereditary spastic paraplegia 53. Also called: Spastic paraplegia 53, autosomal recessive. Identifiers: Orphanet 319199, MedGen C3539494, MONDO:0013962, OMIM 614898.

Allele frequency attached by ClinVar (database versions not stated): TOPMed 0.00007; ESP Exome Variant Server 0.00015; gnomAD 0.00006.
gnomAD v4.1: 227 of 1,614,032 alleles (0.014%); highest among the groups gnomAD compares: Non-Finnish European, 0.018%; no homozygotes.

Submission:

Labcorp Genetics (formerly Invitae), Labcorp
Classification: Uncertain significance for Hereditary spastic paraplegia 53. Last evaluated: 2026-01-26. Review status: criteria provided, single submitter. Criteria: Invitae Variant Classification Sherloc (09022015). Collection method: clinical testing. Allele origin: germline.
Comment: This sequence change replaces threonine, which is neutral and polar, with serine, which is neutral and polar, at codon 171 of the VPS37A protein (p.Thr171Ser). This variant is present in population databases (rs200401367, gnomAD 0.04%). This variant has not been reported in the literature in individuals affected with VPS37A-related conditions. ClinVar contains an entry for this variant (Variation ID: 574574). Invitae Evidence Modeling of protein sequence and biophysical properties (such as structural, functional, and spatial information, amino acid conservation, physicochemical variation, residue mobility, and thermodynamic stability) indicates that this missense variant is not expected to disrupt VPS37A protein function with a negative predictive value of 80%. In summary, the available evidence is currently insufficient to determine the role of this variant in disease. Therefore, it has been classified as a Variant of Uncertain Significance.